The following is an entry in ClinVar:

ClinVar aggregate classification (germline): Likely pathogenic (1 of 4 stars; one submission).

Conditions:
Gastrointestinal stromal tumor. Also called: Gastrointestinal stromal tumor, somatic; Gastrointestinal stroma tumor. Identifiers: Orphanet 44890, MedGen C0238198, MeSH D046152, MONDO:0011719, OMIM 606764, HP:0100723.

Submission:

Labcorp Genetics (formerly Invitae), Labcorp
Classification: Likely pathogenic for Gastrointestinal stromal tumor. Last evaluated: 2018-10-18. Review status: criteria provided, single submitter. Criteria: Invitae Variant Classification Sherloc (09022015). Collection method: clinical testing. Allele origin: germline.
Comment: Donor and acceptor splice site variants typically lead to a loss of protein function (PMID: 16199547), and loss-of-function variants in KIT are known to be pathogenic (PMID: 15194144). In summary, the currently available evidence indicates that the variant is pathogenic, but additional data are needed to prove that conclusively. Therefore, this variant has been classified as Likely Pathogenic. This variant has not been reported in the literature in individuals with KIT-related disease. This variant is not present in population databases (ExAC no frequency). This sequence change affects an acceptor splice site in intron 11 of the KIT gene. It is expected to disrupt RNA splicing and likely results in an absent or disrupted protein product.

Literature cited by the submitters: PubMed 16199547; PubMed 15194144.

NM_000222.3(KIT):c.1775-2A>G

Gene: KIT (KIT proto-oncogene, receptor tyrosine kinase; plus strand). Cytogenetic location: 4q12.
Variant type: single nucleotide variant.
Coding change: c.1775-2A>G on transcript NM_000222.3 (MANE Select); the canonical splice acceptor site of the intron before coding-DNA position 1775, A replaced by G.
Molecular consequence: splice acceptor variant.
Genome position (GRCh38, 1-based): chr4:54,727,821, A>G. VCF-style: chr4-54727821-A-G. GRCh37 (hg19) VCF-style: chr4-55593987-A-G.
Other names: c.1778-2A>G (NM_001385284.1, NM_001385290.1); c.1766-2A>G (NM_001385288.1, NM_001385292.1); c.1775-2A>G (NM_001385285.1); c.1763-2A>G (NM_001093772.2, NM_001385286.1).
Identifiers: ClinVar variation 639481 (VCV000639481.7), dbSNP rs1577995761, ClinGen allele CA356907790.